The following is an entry in ClinVar:

ClinVar aggregate classification (germline): Likely pathogenic. Review status: reviewed by expert panel (3 of 4 stars). 6 submissions from 6 submitters: Likely pathogenic (1). 5 of the submissions do not count toward it. Last evaluated 2022-12-15.

Conditions:
Very long chain acyl-CoA dehydrogenase deficiency (ACADVLD). Also called: Very Long-Chain Acyl-Coenzyme A Dehydrogenase Deficiency; VLCAD Deficiency. Identifiers: Orphanet 26793, MedGen C3887523, MONDO:0008723, OMIM 201475.

Submissions (6):

ClinGen ACADVL Variant Curation Expert Panel, ClinGen
Classification: Likely pathogenic for Very long chain acyl-CoA dehydrogenase deficiency. Last evaluated: 2022-12-15. Review status: reviewed by expert panel. Criteria: clingen acadvl acmg specifications v1. Collection method: curation. Allele origin: germline. Inheritance: Autosomal recessive inheritance.
Comment: The c.1316dup (p.Met440fs) variant in ACADVL is a frameshift predicted to cause a premature stop codon in biologically relevant exon 13/20 leading to nonsense mediated decay in a gene in which loss-of-function is an established disease mechanism (PVS1: PMIDs 9973285, 11590124). This variant has been reported once as a result of a positive newborn screening for VLCADD (PMID:26385305). This variant is also absent from gnomAD v2.1.1 (PM2_Supporting). The ACADVL Variant Curation Expert Panel VCEP classified the variant as likely pathogenic based on PVS1, PM2_Supporting.

Natera, Inc.
Classification: Likely pathogenic for Very long chain acyl-CoA dehydrogenase deficiency. Last evaluated: 2025-03-03. Review status: criteria provided, single submitter. Criteria: Natera Variant Classification Schema (03/2026). Collection method: clinical testing. Allele origin: germline. Not counted in ClinVar's aggregate classification.
Comment: The c.1316dupG variant in ACADVL is a frameshift variant predicted to shift the reading frame beginning at codon 440 and leads to a stop codon 23 codons downstream. This variant is expected to result in nonsense mediated decay, truncation, or a dysfunctional protein product. This variant is rare in the general population with a frequency below the threshold expected for the associated phenotype(s). Given the available evidence, this variant is classified as Likely Pathogenic.

Baylor Genetics
Classification: Likely pathogenic for Very long chain acyl-CoA dehydrogenase deficiency. Last evaluated: 2024-03-26. Review status: criteria provided, single submitter. Criteria: ACMG Guidelines, 2015. Collection method: clinical testing. Allele origin: unknown. Not counted in ClinVar's aggregate classification.

Labcorp Genetics (formerly Invitae), Labcorp
Classification: Pathogenic for Very long chain acyl-CoA dehydrogenase deficiency. Last evaluated: 2021-08-20. Review status: criteria provided, single submitter. Criteria: Invitae Variant Classification Sherloc (09022015). Collection method: clinical testing. Allele origin: germline. Not counted in ClinVar's aggregate classification.
Comment: This sequence change creates a premature translational stop signal (p.Met440Tyrfs*23) in the ACADVL gene. It is expected to result in an absent or disrupted protein product. Loss-of-function variants in ACADVL are known to be pathogenic (PMID: 9973285, 11590124). This variant is not present in population databases (ExAC no frequency). This variant has not been reported in the literature in individuals affected with ACADVL-related conditions. ClinVar contains an entry for this variant (Variation ID: 203591). Algorithms developed to predict the effect of sequence changes on RNA splicing suggest that this variant may create or strengthen a splice site. For these reasons, this variant has been classified as Pathogenic.

Wong Mito Lab, Molecular and Human Genetics, Baylor College of Medicine
Classification: Pathogenic for Very long chain acyl-CoA dehydrogenase deficiency. Last evaluated: 2019-11-01. Review status: criteria provided, single submitter. Criteria: ACMG Guidelines, 2015. Collection method: clinical testing. Allele origin: germline. Not counted in ClinVar's aggregate classification.
Comment: The NM_000018.3:c.1316dupG (NP_000009.1:p.Met440TyrfsTer23) [GRCH38: NC_000017.11:g.7223859dup] variant in ACADVL gene is interpretated to be Pathogenic based on ACMG guidelines (PMID: 25741868). This variant has been reported. This variant meets the following evidence codes reported in the ACMG guidelines: PVS1, PS3

GeneDx
Classification: Pathogenic. Last evaluated: 2014-06-13. Review status: criteria provided, single submitter. Criteria: GeneDx Variant Classification (06012015). Collection method: clinical testing. Allele origin: germline. Affected: yes. Not counted in ClinVar's aggregate classification.
Comment: The c.1316dupG mutation in the ACADVL gene causes a frameshift starting with codon Methionine 440, changes this amino acid to a Tyrosine residue and creates a premature Stop codon at position 23 of the new reading frame, denoted p.Met440TyrfsX23. The normal sequence with the base that is duplicated in braces is: TGGGGG{G}TATG. This mutation is predicted to cause loss of normal protein function either through protein truncation or nonsense-mediated mRNA decay. Although this mutation has not been previously reported to our knowledge, it is expected to be a pathogenic mutation. The variant is found in ACADVL panel(s).

Literature cited by the submitters: PubMed 9973285 (cited by Labcorp Genetics (formerly Invitae), Labcorp); PubMed 11590124 (cited by Labcorp Genetics (formerly Invitae), Labcorp).

NM_000018.4(ACADVL):c.1316dup (p.Met440fs)

Gene: ACADVL (acyl-CoA dehydrogenase very long chain; plus strand). Cytogenetic location: 17p13.1.
Variant type: Duplication.
Coding change: c.1316dup on transcript NM_000018.4 (MANE Select); coding-DNA position 1316, one base duplicated (G; older notation c.1316dupG).
Protein change: p.Met440fs; shifts the reading frame from methionine 440.
Molecular consequence: frameshift variant.
Genome position (GRCh38, 1-based): chr17:7,223,859, G duplicated; the last of 6 consecutive G bases (chr17:7,223,854-7,223,859); duplicating any one gives the same sequence. VCF-style (leftmost placement, unchanged base first): chr17-7223853-T-TG. GRCh37 (hg19) VCF-style: chr17-7127172-T-TG.
Other names: NM_000018.4(ACADVL):c.1316dup; p.Met440fs; c.1250dup, p.Met418fs (NM_001033859.3); c.1385dup, p.Met463fs (NM_001270447.2); c.1088dup, p.Met364fs (NM_001270448.2); short protein forms M364fs, M418fs, M440fs, M463fs.
Identifiers: ClinVar variation 203591 (VCV000203591.9), dbSNP rs748077880, ClinGen allele CA312287.